The following is an entry in ClinVar:

ClinVar aggregate classification (germline): Conflicting classifications of pathogenicity. Review status: criteria provided, conflicting classifications (1 of 4 stars). 4 submissions from 4 submitters: Uncertain significance (1); Benign (1); Likely benign (2). Last evaluated 2025-10-02.

Conditions:
Microcytic anemia with liver iron overload. Also called: Anemia, hypochromic microcytic, with iron overload 1. Identifiers: Orphanet 83642, MedGen C3806153, MONDO:0008787, OMIM 206100.

Allele frequency attached by ClinVar (database versions not stated): 1000 Genomes Project 0.00060; 1000 Genomes Project 30x 0.00062; ExAC 0.00138; gnomAD 0.00145 and 0.00147; gnomAD exomes 0.00147 and 0.00157; ESP Exome Variant Server 0.00154; TOPMed 0.00171.
gnomAD v4.1: 2,398 of 1,613,958 alleles (0.15%); highest among the groups gnomAD compares: Middle Eastern, 0.97%; no homozygotes.

Submissions (4):

Labcorp Genetics (formerly Invitae), Labcorp
Classification: Benign. Last evaluated: 2025-10-02. Review status: criteria provided, single submitter. Criteria: Invitae Variant Classification Sherloc (09022015). Collection method: clinical testing. Allele origin: germline.

CeGaT Center for Human Genetics Tuebingen
Classification: Likely benign. Last evaluated: 2025-05-01. Review status: criteria provided, single submitter. Criteria: CeGaT Center For Human Genetics Tuebingen Variant Classification Criteria Version 2. Collection method: clinical testing. Allele origin: germline. Affected: yes. Observed: 3 variant alleles.
Comment: SLC11A2: BP4, BP7

Blueprint Genetics
Classification: Likely benign. Last evaluated: 2024-11-22. Review status: criteria provided, single submitter. Criteria: ACMG Guidelines, 2015. Collection method: clinical testing. Allele origin: germline.

Illumina Laboratory Services, Illumina
Classification: Uncertain significance for Microcytic anemia with liver iron overload. Last evaluated: 2018-01-12. Review status: criteria provided, single submitter. Criteria: ICSL Variant Classification Criteria 13 December 2019. Collection method: clinical testing. Allele origin: germline.

NM_000617.3(SLC11A2):c.504A>G (p.Ser168=)

Gene: SLC11A2 (solute carrier family 11 member 2; minus strand). Cytogenetic location: 12q13.12.
Variant type: single nucleotide variant.
Coding change: c.504A>G on transcript NM_000617.3 (MANE Select); coding-DNA position 504, A replaced by G.
Protein change: p.Ser168=; no amino-acid change (serine 168 retained).
Molecular consequence: synonymous variant. On other transcripts: non-coding transcript variant (10).
Genome position (GRCh38, 1-based): chr12:51,000,345, T>C on the plus strand (A>G on the coding strand, the complement: SLC11A2 is on the minus strand). VCF-style: chr12-51000345-T-C. GRCh37 (hg19) VCF-style: chr12-51394128-T-C.
Other names: c.591A>G, p.Ser197= (NM_001174125.2, NM_001379446.1, NM_001379455.1); c.504A>G, p.Ser168= (NM_001174126.2, NM_001174127.2, NM_001174128.2 and 5 more transcripts); c.492A>G, p.Ser164= (NM_001174130.2, NM_001379448.1); c.393A>G, p.Ser131= (NM_001414747.1, NM_001414748.1); c.267A>G, p.Ser89= (NM_001414749.1, NM_001414750.1).
Identifiers: ClinVar variation 309320 (VCV000309320.37), dbSNP rs145155499, ClinGen allele CA6566742.